The following is an entry in ClinVar:

NM_001972.4(ELANE):c.372C>T (p.Asn124=)

Gene: ELANE (elastase, neutrophil expressed; plus strand). Cytogenetic location: 19p13.3.
Variant type: single nucleotide variant.
Coding change: c.372C>T on transcript NM_001972.4 (MANE Select); coding-DNA position 372, C replaced by T.
Protein change: p.Asn124=; no amino-acid change (asparagine 124 retained).
Molecular consequence: synonymous variant.
Genome position (GRCh38, 1-based): chr19:855,569, C>T. VCF-style: chr19-855569-C-T. GRCh37 (hg19) VCF-style: chr19-855569-C-T.
Other names: c.372C>T (NM_001972.3).
Identifiers: ClinVar variation 699385 (VCV000699385.21), dbSNP rs200595736, ClinGen allele CA9026038.
Genomic context (GRCh38, chr19:855,569, plus strand): 5'-GGGTCATCATCACTGCCCCGTGTGACGCGCTGACGATCTGTCCCCACCGCCACAGCTCAA[C>T]GGGTCGGCCACCATCAACGCCAACGTGCAGGTGGCCCAGCTGCCGGCTCAGGGACGCCGC-3'
Protein context (NP_001963.1, residues 114-134): LLNDIVILQL[Asn124=]GSATINANVQ

ClinVar aggregate classification (germline): Benign/Likely benign. Review status: criteria provided, multiple submitters, no conflicts (2 of 4 stars). 7 submissions from 7 submitters: Benign (2); Likely benign (4). 1 of the submissions does not count toward it. Last evaluated 2026-04-13.

Conditions:
ELANE-related disorder. Also called: ELANE-related condition.
Neutropenia, severe congenital, 1, autosomal dominant. Identifiers: MedGen C1859966, MONDO:0042490, OMIM 202700.
Cyclical neutropenia. Also called: Cyclic hematopoiesis; Cyclic Neutropenia. Identifiers: Orphanet 2686, MedGen C0221023, MONDO:0008090, OMIM 162800, HP:0040289. Disease mechanism: loss of function.
Inborn genetic diseases. Identifiers: MedGen C0950123, MeSH D030342.

Allele frequency attached by ClinVar (database versions not stated): gnomAD 0.00004 and 0.00005; gnomAD exomes 0.00004; ExAC 0.00005; TOPMed 0.00005.
gnomAD v4.1: 84 of 1,599,182 alleles (0.0053%); highest among the groups gnomAD compares: Middle Eastern, 0.12%; no homozygotes.

Submissions (7):

Women's Health and Genetics/Laboratory Corporation of America, LabCorp
Classification: Benign. Last evaluated: 2026-04-13. Review status: criteria provided, single submitter. Criteria: LabCorp Variant Classification Summary - May 2015. Collection method: clinical testing. Allele origin: germline.

Labcorp Genetics (formerly Invitae), Labcorp
Classification: Likely benign for Neutropenia, severe congenital, 1, autosomal dominant; Cyclical neutropenia. Last evaluated: 2025-12-09. Review status: criteria provided, single submitter. Criteria: Invitae Variant Classification Sherloc (09022015). Collection method: clinical testing. Allele origin: germline.

Ambry Genetics
Classification: Likely benign for Inborn genetic diseases. Last evaluated: 2024-10-15. Review status: criteria provided, single submitter. Criteria: Ambry Variant Classification Scheme 2023. Collection method: clinical testing. Allele origin: germline.

Blueprint Genetics
Classification: Likely benign. Last evaluated: 2024-07-10. Review status: criteria provided, single submitter. Criteria: ACMG Guidelines, 2015. Collection method: clinical testing. Allele origin: germline.

ARUP Laboratories, Molecular Genetics and Genomics, ARUP Laboratories
Classification: Likely benign. Last evaluated: 2024-02-23. Review status: criteria provided, single submitter. Criteria: ARUP Molecular Germline Variant Investigation Process 2024. Collection method: clinical testing. Allele origin: germline.

GeneDx
Classification: Benign. Last evaluated: 2015-03-03. Review status: criteria provided, single submitter. Criteria: GeneDx Variant Classification Process June 2021. Collection method: clinical testing. Allele origin: germline. Affected: yes.

PreventionGenetics, part of Exact Sciences
Classification: Likely benign for ELANE-related condition. Last evaluated: 2019-04-09. Review status: no assertion criteria provided. Collection method: clinical testing. Allele origin: germline. Not counted in ClinVar's aggregate classification.
Comment: This variant is classified as likely benign based on ACMG/AMP sequence variant interpretation guidelines (Richards et al. 2015 PMID: 25741868, with internal and published modifications).